The following is an entry in ClinVar:

NM_001397406.1(FDX2):c.*105G>A

Genes: FDX2 (ferredoxin 2; minus strand), FDX2-ZGLP1 (FDX2-ZGLP1 readthrough (NMD candidate); minus strand). Cytogenetic location: 19p13.2.
Variant type: single nucleotide variant.
Coding change: c.*105G>A on transcript NM_001397406.1 (MANE Select); 105 bases downstream of the stop codon, G replaced by A.
Molecular consequence: 3 prime UTR variant. On other transcripts: non-coding transcript variant (2).
Genome position (GRCh38, 1-based): chr19:10,310,381, C>T on the plus strand (G>A on the coding strand, the complement: FDX2 is on the minus strand). VCF-style: chr19-10310381-C-T. GRCh37 (hg19) VCF-style: chr19-10421057-C-T.
Identifiers: ClinVar variation 3905648 (VCV003905648.10).

ClinVar aggregate classification (germline): Likely benign (1 of 4 stars; one submission).

gnomAD v4.1: 369 of 1,464,878 alleles (0.025%); highest among the groups gnomAD compares: Non-Finnish European, 0.028%; no homozygotes.

Submission:

CeGaT Center for Human Genetics Tuebingen
Classification: Likely benign. Last evaluated: 2025-05-01. Review status: criteria provided, single submitter. Criteria: CeGaT Center For Human Genetics Tuebingen Variant Classification Criteria Version 2. Collection method: clinical testing. Allele origin: germline. Affected: yes. Observed: 1 variant allele.
Comment: FDX2: BP4, BP7